The following is an entry in ClinVar:

NM_006767.4(LZTR1):c.27_28insT (p.Gln10fs)

Genes: LZTR1 (leucine zipper like post translational regulator 1; plus strand), LOC130067016 (ATAC-STARR-seq lymphoblastoid silent region 13504; plus strand). Cytogenetic location: 22q11.21.
Variant type: Insertion.
Coding change: c.27_28insT on transcript NM_006767.4 (MANE Select); coding-DNA positions 27 to 28, T inserted.
Protein change: p.Gln10fs; shifts the reading frame from glutamine 10.
Molecular consequence: frameshift variant.
Genome position: GRCh38 VCF-style: chr22-20982398-G-GT. GRCh37 (hg19) VCF-style: chr22-21336687-G-GT.
Other names: short protein forms Q10fs.
Identifiers: ClinVar variation 3361272 (VCV003361272.1).

ClinVar aggregate classification (germline): Likely pathogenic (1 of 4 stars; one submission).

Submission:

GeneDx
Classification: Likely pathogenic. Last evaluated: 2023-07-17. Review status: criteria provided, single submitter. Criteria: GeneDx Variant Classification Process June 2021. Collection method: clinical testing. Allele origin: germline. Affected: yes.
Comment: Frameshift variant predicted to result in protein truncation or nonsense mediated decay in a gene for which loss of function is a known mechanism of disease; Not observed at significant frequency in large population cohorts (gnomAD); Has not been previously published as pathogenic or benign to our knowledge